The following is an entry in ClinVar:

NM_000455.5(STK11):c.920+7_920+8delinsCA

Gene: STK11 (serine/threonine kinase 11; plus strand). Cytogenetic location: 19p13.3.
Variant type: Indel.
Coding change: c.920+7_920+8delinsCA on transcript NM_000455.5 (MANE Select); bases 7 to 8 of the intron after coding-DNA position 920, GG replaced by CA.
Molecular consequence: intron variant.
Genome position (GRCh38, 1-based): chr19:1,222,013-1,222,014, GG replaced by CA. VCF-style: chr19-1222013-GG-CA. GRCh37 (hg19) VCF-style: chr19-1222012-GG-CA.
Other names: c.920+7_920+8delGGinsCA (NM_000455.4).
Identifiers: ClinVar variation 371810 (VCV000371810.13), dbSNP rs1057517545, ClinGen allele CA16042184.
Genomic context (GRCh38, chr19:1,222,013, plus strand): 5'-GCTTGAGTACGAACCGGCCAAGAGGTTCTCCATCCGGCAGATCCGGCAGCACAGGTGAGC[GG>CA]CCCCTGGGGGCAGTGGGGCCGAGGCTGCAGGGAGGCCGGCCATGTGGGCAGCTGGTTGAG-3'

ClinVar aggregate classification (germline): Likely benign. Review status: criteria provided, multiple submitters, no conflicts (2 of 4 stars). 4 submissions from 4 submitters: Likely benign (3). 1 of the submissions does not count toward it. Last evaluated 2025-07-17.

Conditions:
Peutz-Jeghers syndrome (PJS). Also called: Peutz-Jeghers polyposis; Periorificial lentiginosis syndrome; POLYPOSIS, HAMARTOMATOUS INTESTINAL; POLYPS-AND-SPOTS SYNDROME. Identifiers: Orphanet 2869, MedGen C0031269, MeSH D010580, MONDO:0008280, OMIM 175200.
Hereditary cancer-predisposing syndrome. Also called: Tumor predisposition; Hereditary Cancer Syndrome; Hereditary neoplastic syndrome; Neoplastic Syndromes, Hereditary. Identifiers: Orphanet 140162, MedGen C0027672, MeSH D009386, MONDO:0015356.

Submissions (4):

Labcorp Genetics (formerly Invitae), Labcorp
Classification: Likely benign for Peutz-Jeghers syndrome. Last evaluated: 2025-07-17. Review status: criteria provided, single submitter. Criteria: Invitae Variant Classification Sherloc (09022015). Collection method: clinical testing. Allele origin: germline.

Myriad Genetics, Inc.
Classification: Likely benign for Peutz-Jeghers syndrome. Last evaluated: 2023-04-12. Review status: criteria provided, single submitter. Criteria: Myriad Autosomal Dominant, Autosomal Recessive and X-Linked Classification Criteria (2023). Collection method: clinical testing. Allele origin: unknown.
Comment: This variant is considered likely benign. This variant is intronic and is not expected to impact mRNA splicing.

Color Diagnostics, LLC DBA Color Health
Classification: Likely benign for Hereditary cancer-predisposing syndrome. Last evaluated: 2022-11-16. Review status: criteria provided, single submitter. Criteria: ACMG Guidelines, 2015. Collection method: clinical testing. Allele origin: germline.

Counsyl
Classification: Uncertain significance for Peutz-Jeghers syndrome. Last evaluated: 2016-01-06. Review status: no assertion criteria provided. Collection method: clinical testing. Allele origin: unknown. Not counted in ClinVar's aggregate classification.